The following is an entry in ClinVar:

NM_002473.6(MYH9):c.1083C>T (p.Asp361=)

Gene: MYH9 (myosin heavy chain 9; minus strand). Cytogenetic location: 22q12.3.
Variant type: single nucleotide variant.
Coding change: c.1083C>T on transcript NM_002473.6 (MANE Select); coding-DNA position 1083, C replaced by T.
Protein change: p.Asp361=; no amino-acid change (aspartic acid 361 retained).
Molecular consequence: synonymous variant.
Genome position (GRCh38, 1-based): chr22:36,319,565, G>A on the plus strand (C>T on the coding strand, the complement: MYH9 is on the minus strand). VCF-style: chr22-36319565-G-A. GRCh37 (hg19) VCF-style: chr22-36715610-G-A.
Other names: p.Asp361=.
Identifiers: ClinVar variation 44548 (VCV000044548.62), dbSNP rs56001030, ClinGen allele CA134508.

ClinVar aggregate classification (germline): Benign/Likely benign. Review status: criteria provided, multiple submitters, no conflicts (2 of 4 stars). 17 submissions from 16 submitters: Benign (11); Likely benign (4). 2 of the submissions do not count toward it. Last evaluated 2026-08-01.

Conditions:
MYH9-related disorder. Identifiers: MedGen C1854520.
Atypical hemolytic-uremic syndrome. Identifiers: Orphanet 2134, MedGen C2931788, MONDO:0016244.
Autosomal dominant nonsyndromic hearing loss 17. Also called: Autosomal dominant nonsyndromic deafness 17; Deafness, autosomal dominant 17. Identifiers: Orphanet 90635, MedGen C1863659, MONDO:0011350, OMIM 603622.

Allele frequency attached by ClinVar (database versions not stated): 1000 Genomes Project 0.00319; 1000 Genomes Project 30x 0.00359; gnomAD 0.00436 and 0.00420; ESP Exome Variant Server 0.00454; TOPMed 0.00534; gnomAD exomes 0.00464; ExAC 0.00398.
gnomAD v4.1: 7,227 of 1,614,138 alleles (0.45%); highest among the groups gnomAD compares: Admixed American, 0.98%; 39 homozygotes.

Submissions (17):

CeGaT Center for Human Genetics Tuebingen
Classification: Benign. Last evaluated: 2026-08-01. Review status: criteria provided, single submitter. Criteria: CeGaT Center For Human Genetics Tuebingen Variant Classification Criteria Version 2. Collection method: clinical testing. Allele origin: germline. Affected: yes. Observed: 12 variant alleles.
Comment: MYH9: BP4, BP7, BS1, BS2

Labcorp Genetics (formerly Invitae), Labcorp
Classification: Benign. Last evaluated: 2026-02-03. Review status: criteria provided, single submitter. Criteria: Invitae Variant Classification Sherloc (09022015). Collection method: clinical testing. Allele origin: germline.

Mayo Clinic Laboratories, Mayo Clinic
Classification: Likely benign. Last evaluated: 2025-09-15. Review status: criteria provided, single submitter. Criteria: ACMG Guidelines, 2015. Collection method: clinical testing. Allele origin: germline. Observed: 11 variant alleles.
Comment: BS1, BP4, BP7

ARUP Laboratories, Molecular Genetics and Genomics, ARUP Laboratories
Classification: Benign. Last evaluated: 2025-04-16. Review status: criteria provided, single submitter. Criteria: ARUP Molecular Germline Variant Investigation Process 2024. Collection method: clinical testing. Allele origin: germline.

Blueprint Genetics
Classification: Likely benign. Last evaluated: 2024-11-28. Review status: criteria provided, single submitter. Criteria: ACMG Guidelines, 2015. Collection method: clinical testing. Allele origin: germline.

Genome Diagnostics Laboratory, The Hospital for Sick Children
Classification: Benign for Atypical hemolytic-uremic syndrome. Last evaluated: 2021-11-11. Review status: criteria provided, single submitter. Criteria: ACMG Guidelines, 2015. Collection method: clinical testing. Allele origin: germline.

Athena Diagnostics
Classification: Benign. Last evaluated: 2021-05-24. Review status: criteria provided, single submitter. Criteria: Athena Diagnostics criteria. Collection method: clinical testing. Allele origin: unknown.

Genetic Services Laboratory, University of Chicago
Classification: Benign. Last evaluated: 2018-10-11. Review status: criteria provided, single submitter. Criteria: ACMG Guidelines, 2015. Collection method: clinical testing. Allele origin: germline. Affected: no.

GeneDx
Classification: Benign. Last evaluated: 2018-02-02. Review status: criteria provided, single submitter. Criteria: GeneDx Variant Classification (06012015). Collection method: clinical testing. Allele origin: germline. Affected: yes.
Comment: This variant is considered likely benign or benign based on one or more of the following criteria: it is a conservative change, it occurs at a poorly conserved position in the protein, it is predicted to be benign by multiple in silico algorithms, and/or has population frequency not consistent with disease.

Illumina Laboratory Services, Illumina
Classification: Benign for MYH9-related disorder. Last evaluated: 2018-01-13. Review status: criteria provided, single submitter. Criteria: ICSL Variant Classification Criteria 13 December 2019. Collection method: clinical testing. Allele origin: germline.
Comment: This variant was observed in the ICSL laboratory as part of a predisposition screen in an ostensibly healthy population. It had not been previously curated by ICSL or reported in the Human Gene Mutation Database (HGMD: prior to June 1st, 2018), and was therefore a candidate for classification through an automated scoring system. Utilizing variant allele frequency, disease prevalence and penetrance estimates, and inheritance mode, an automated score was calculated to assess if this variant is too frequent to cause the disease. Based on the score and internal cut-off values, a variant classified as benign is not then subjected to further curation. The score for this variant resulted in a classification of benign for this disease.

Illumina Laboratory Services, Illumina
Classification: Benign for Autosomal dominant nonsyndromic hearing loss 17. Last evaluated: 2018-01-13. Review status: criteria provided, single submitter. Criteria: ICSL Variant Classification Criteria 13 December 2019. Collection method: clinical testing. Allele origin: germline.
Comment: the same text as in the submission from Illumina Laboratory Services, Illumina above.

Eurofins Ntd Llc (ga)
Classification: Benign. Last evaluated: 2015-03-20. Review status: criteria provided, single submitter. Criteria: EGL Classification Definitions 2015. Collection method: clinical testing. Allele origin: germline. Observed: 1 variant allele, 1 heterozygote.

Laboratory for Molecular Medicine, Mass General Brigham Personalized Medicine
Classification: Benign. Last evaluated: 2012-04-30. Review status: criteria provided, single submitter. Criteria: LMM Criteria. Collection method: clinical testing. Allele origin: germline. Observed: 23 variant alleles.
Comment: Asp361Asp in Exon 10 of MYH9: This variant is not expected to have clinical sign ificance because it does not alter an amino acid residue, is not located within the splice consensus sequence, and has been identified in 0.7% (48/7020) of Euro pean American chromosomes from a broad population by the NHLBI Exome Sequencing Project (dbSNP rs56001030).

Breakthrough Genomics
Classification: Likely benign. Review status: criteria provided, single submitter. Criteria: ACMG Guidelines, 2015. Collection method: not provided. Allele origin: germline. Inheritance: Autosomal dominant inheritance. Affected: yes.

PreventionGenetics, part of Exact Sciences
Classification: Likely benign. Review status: criteria provided, single submitter. Criteria: ACMG Guidelines, 2015. Collection method: clinical testing. Allele origin: germline.

Genome Diagnostics Laboratory, University Medical Center Utrecht
Classification: Benign. Review status: no assertion criteria provided. Collection method: clinical testing. Allele origin: germline. Affected: yes. Study: VKGL Data-share Consensus. Not counted in ClinVar's aggregate classification.

Joint Genome Diagnostic Labs from Nijmegen and Maastricht, Radboudumc and MUMC+
Classification: Benign. Review status: no assertion criteria provided. Collection method: clinical testing. Allele origin: germline. Affected: yes. Study: VKGL Data-share Consensus. Not counted in ClinVar's aggregate classification.